The following is an entry in ClinVar:

ClinVar aggregate classification (germline): Likely benign. Review status: criteria provided, multiple submitters, no conflicts (2 of 4 stars). 3 submissions from 3 submitters: Likely benign (2). 1 of the submissions does not count toward it. Last evaluated 2024-11-26.

Conditions:
DOK7-related disorder. Also called: DOK7-related condition.

Allele frequency attached by ClinVar (database versions not stated): ExAC 0.00024; 1000 Genomes Project 0.00080; 1000 Genomes Project 30x 0.00094.
gnomAD v4.1: 428 of 1,535,968 alleles (0.028%); highest among the groups gnomAD compares: Middle Eastern, 0.57%; 5 homozygotes.

Submissions (3):

Blueprint Genetics
Classification: Likely benign. Last evaluated: 2024-11-26. Review status: criteria provided, single submitter. Criteria: ACMG Guidelines, 2015. Collection method: clinical testing. Allele origin: germline.

CeGaT Center for Human Genetics Tuebingen
Classification: Likely benign. Last evaluated: 2024-09-01. Review status: criteria provided, single submitter. Criteria: CeGaT Center For Human Genetics Tuebingen Variant Classification Criteria Version 2. Collection method: clinical testing. Allele origin: germline. Affected: yes. Observed: 1 variant allele.
Comment: DOK7: BP4, BP7

PreventionGenetics, part of Exact Sciences
Classification: Likely benign for DOK7-related condition. Last evaluated: 2019-05-21. Review status: no assertion criteria provided. Collection method: clinical testing. Allele origin: germline. Not counted in ClinVar's aggregate classification.
Comment: This variant is classified as likely benign based on ACMG/AMP sequence variant interpretation guidelines (Richards et al. 2015 PMID: 25741868, with internal and published modifications).

NM_001301071.2(DOK7):c.1596G>A (p.Glu532=)

Gene: DOK7 (docking protein 7; plus strand). Cytogenetic location: 4p16.3.
Variant type: single nucleotide variant.
Coding change: c.1596G>A on transcript NM_001301071.2; coding-DNA position 1596, G replaced by A.
Protein change: p.Glu532=; no amino-acid change (glutamic acid 532 retained).
Molecular consequence: synonymous variant.
Genome position (GRCh38, 1-based): chr4:3,500,306, G>A. VCF-style: chr4-3500306-G-A. GRCh37 (hg19) VCF-style: chr4-3502033-G-A.
Other names: c.1164G>A, p.Glu388= (NM_001363811.2).
Identifiers: ClinVar variation 3038924 (VCV003038924.17), dbSNP rs373576776, ClinGen allele CA2829624.